The following is an entry in ClinVar:

NM_003321.5(TUFM):c.684+9G>A

Gene: TUFM (Tu translation elongation factor, mitochondrial; minus strand). Cytogenetic location: 16p11.2.
Variant type: single nucleotide variant.
Coding change: c.684+9G>A on transcript NM_003321.5 (MANE Select); 9 bases into the intron after coding-DNA position 684, G replaced by A.
Molecular consequence: intron variant.
Genome position (GRCh38, 1-based): chr16:28,844,689, C>T on the plus strand (G>A on the coding strand, the complement: TUFM is on the minus strand). VCF-style: chr16-28844689-C-T. GRCh37 (hg19) VCF-style: chr16-28856010-C-T.
Other names: c.684+9G>A (NM_001365360.2).
Identifiers: ClinVar variation 513733 (VCV000513733.8), dbSNP rs758931862, ClinGen allele CA7985574.

ClinVar aggregate classification (germline): Likely benign. Review status: criteria provided, multiple submitters, no conflicts (2 of 4 stars). 2 submissions from 2 submitters: Likely benign (2). Last evaluated 2025-10-21.

Allele frequency attached by ClinVar (database versions not stated): gnomAD 0.00001; TOPMed 0.00002; gnomAD exomes 0.00006; ExAC 0.00010.
gnomAD v4.1: 58 of 1,614,082 alleles (0.0036%); highest among the groups gnomAD compares: Middle Eastern, 0.016%; no homozygotes.

Submissions (2):

Labcorp Genetics (formerly Invitae), Labcorp
Classification: Likely benign. Last evaluated: 2025-10-21. Review status: criteria provided, single submitter. Criteria: Invitae Variant Classification Sherloc (09022015). Collection method: clinical testing. Allele origin: germline.

GeneDx
Classification: Likely benign. Last evaluated: 2017-11-22. Review status: criteria provided, single submitter. Criteria: GeneDx Variant Classification (06012015). Collection method: clinical testing. Allele origin: germline. Affected: yes.
Comment: This variant is considered likely benign or benign based on one or more of the following criteria: it is a conservative change, it occurs at a poorly conserved position in the protein, it is predicted to be benign by multiple in silico algorithms, and/or has population frequency not consistent with disease.